The following is an entry in ClinVar:

NM_022124.6(CDH23):c.5001C>A (p.Asn1667Lys)

Gene: CDH23 (cadherin related 23; plus strand). Cytogenetic location: 10q22.1.
Variant type: single nucleotide variant.
Coding change: c.5001C>A on transcript NM_022124.6 (MANE Select); coding-DNA position 5001, C replaced by A.
Protein change: p.Asn1667Lys; replaces asparagine 1667 with lysine.
Molecular consequence: missense variant.
Genome position (GRCh38, 1-based): chr10:71,777,835, C>A. VCF-style: chr10-71777835-C-A. GRCh37 (hg19) VCF-style: chr10-73537592-C-A.
Other names: short protein forms N1667K.
Identifiers: ClinVar variation 1687564 (VCV001687564.1), dbSNP rs1309537853, ClinGen allele CA377140339.

ClinVar aggregate classification (germline): Uncertain significance (1 of 4 stars; one submission).

Conditions:
Autosomal recessive nonsyndromic hearing loss 12. Also called: DEAFNESS, AUTOSOMAL RECESSIVE 12. Identifiers: Orphanet 90636, MedGen C1832394, MONDO:0011067, OMIM 601386.

gnomAD v4.1: 2 of 1,613,990 alleles (0.00012%); highest among the groups gnomAD compares: South Asian, 0.0011%; no homozygotes.

Submission:

3billion
Classification: Uncertain significance for Autosomal recessive nonsyndromic hearing loss 12. Last evaluated: 2022-05-22. Review status: criteria provided, single submitter. Criteria: ACMG Guidelines, 2015. Collection method: clinical testing. Allele origin: germline. Affected: yes. Observed: 1 heterozygote.
Comment: The variant is observed at an extremely low frequency in the gnomAD v2.1.1 dataset (total allele frequency: <0.001%). In silico tool predictions suggest damaging effect of the variant on gene or gene product (REVEL: 0.60; 3Cnet: 0.37). Therefore, this variant is classified as uncertain significanceaccording to the recommendation of ACMG/AMP guideline.